The following is an entry in ClinVar:

NM_001077653.2(TBX20):c.947C>A (p.Thr316Asn)

Gene: TBX20 (T-box transcription factor 20; minus strand). Cytogenetic location: 7p14.2.
Variant type: single nucleotide variant.
Coding change: c.947C>A on transcript NM_001077653.2 (MANE Select); coding-DNA position 947, C replaced by A.
Protein change: p.Thr316Asn; replaces threonine 316 with asparagine.
Molecular consequence: missense variant.
Genome position (GRCh38, 1-based): chr7:35,204,526, G>T on the plus strand (C>A on the coding strand, the complement: TBX20 is on the minus strand). VCF-style: chr7-35204526-G-T. GRCh37 (hg19) VCF-style: chr7-35244138-G-T.
Other names: short protein forms T316N.
Identifiers: ClinVar variation 1767087 (VCV001767087.2), dbSNP rs1789367047, ClinGen allele CA367263554.

ClinVar aggregate classification (germline): Uncertain significance (1 of 4 stars; one submission).

Conditions:
Cardiovascular phenotype. Identifiers: MedGen CN230736.

Allele frequency attached by ClinVar (database versions not stated): TOPMed below 0.00001.

Submission:

Ambry Genetics
Classification: Uncertain significance for Cardiovascular phenotype. Last evaluated: 2022-07-06. Review status: criteria provided, single submitter. Criteria: Ambry Variant Classification Scheme 2023. Collection method: clinical testing. Allele origin: germline.
Comment: The p.T316N variant (also known as c.947C>A), located in coding exon 7 of the TBX20 gene, results from a C to A substitution at nucleotide position 947. The threonine at codon 316 is replaced by asparagine, an amino acid with similar properties. This amino acid position is conserved. In addition, the in silico prediction for this alteration is inconclusive. Since supporting evidence is limited at this time, the clinical significance of this alteration remains unclear.